The following is an entry in ClinVar:

NM_001366385.1(CARD14):c.86G>A (p.Arg29Lys)

Gene: CARD14 (caspase recruitment domain family member 14; plus strand). Cytogenetic location: 17q25.3.
Variant type: single nucleotide variant.
Coding change: c.86G>A on transcript NM_001366385.1 (MANE Select); coding-DNA position 86, G replaced by A.
Protein change: p.Arg29Lys; replaces arginine 29 with lysine.
Molecular consequence: missense variant. On other transcripts: non-coding transcript variant (1).
Genome position (GRCh38, 1-based): chr17:80,181,524, G>A. VCF-style: chr17-80181524-G-A. GRCh37 (hg19) VCF-style: chr17-78155323-G-A.
Other names: c.86G>A, p.Arg29Lys (NM_001257970.1, NM_024110.4); short protein forms R29K.
Identifiers: ClinVar variation 1387161 (VCV001387161.8), dbSNP rs934542227, ClinGen allele CA294905009.

ClinVar aggregate classification (germline): Uncertain significance (1 of 4 stars; one submission).

Conditions:
Pityriasis rubra pilaris (PRP). Also called: Pityriasis rubra pilaris--familial type. Identifiers: Orphanet 2897, MedGen C0032027, MONDO:0100017, OMIM 173200, MONDO:0008251.
Psoriasis 2. Identifiers: MedGen C1864497, MONDO:0011269, OMIM 602723.

Allele frequency attached by ClinVar (database versions not stated): gnomAD exomes below 0.00001; gnomAD 0.00001; TOPMed 0.00001.

Submission:

Labcorp Genetics (formerly Invitae), Labcorp
Classification: Uncertain significance for Pityriasis rubra pilaris; Psoriasis 2. Last evaluated: 2024-12-08. Review status: criteria provided, single submitter. Criteria: Invitae Variant Classification Sherloc (09022015). Collection method: clinical testing. Allele origin: germline.
Comment: This sequence change replaces arginine, which is basic and polar, with lysine, which is basic and polar, at codon 29 of the CARD14 protein (p.Arg29Lys). This variant is present in population databases (no rsID available, gnomAD 0.005%). This variant has not been reported in the literature in individuals affected with CARD14-related conditions. ClinVar contains an entry for this variant (Variation ID: 1387161). Invitae Evidence Modeling of protein sequence and biophysical properties (such as structural, functional, and spatial information, amino acid conservation, physicochemical variation, residue mobility, and thermodynamic stability) indicates that this missense variant is not expected to disrupt CARD14 protein function with a negative predictive value of 95%. In summary, the available evidence is currently insufficient to determine the role of this variant in disease. Therefore, it has been classified as a Variant of Uncertain Significance.